The following is an entry in ClinVar:

NM_000136.3(FANCC):c.835T>A (p.Ser279Thr)

Genes: FANCC (FA complementation group C; minus strand), AOPEP (aminopeptidase O (putative); plus strand). Cytogenetic location: 9q22.32.
Variant type: single nucleotide variant.
Coding change: c.835T>A on transcript NM_000136.3 (MANE Select); coding-DNA position 835, T replaced by A.
Protein change: p.Ser279Thr; replaces serine 279 with threonine.
Molecular consequence: missense variant.
Genome position (GRCh38, 1-based): chr9:95,135,354, A>T on the plus strand (T>A on the coding strand, the complement: FANCC is on the minus strand). VCF-style: chr9-95135354-A-T. GRCh37 (hg19) VCF-style: chr9-97897636-A-T.
Other names: c.835T>A, p.Ser279Thr (NM_001243743.2, NM_001243744.2); short protein forms S279T.
Identifiers: ClinVar variation 526320 (VCV000526320.15), dbSNP rs757190154, ClinGen allele CA5137628.

ClinVar aggregate classification (germline): Uncertain significance. Review status: criteria provided, multiple submitters, no conflicts (2 of 4 stars). 6 submissions from 6 submitters: Uncertain significance (5). 1 of the submissions does not count toward it. Last evaluated 2024-03-21.

Conditions:
Fanconi anemia complementation group C (FANCC). Also called: FACC; FANCONI PANCYTOPENIA, TYPE 3; FANCC-Related Fanconi Anemia; Fanconi anemia, group C. Identifiers: Orphanet 84, MedGen C3468041, MONDO:0009213, OMIM 227645.
Hereditary cancer-predisposing syndrome. Also called: Neoplastic Syndromes, Hereditary; Tumor predisposition; Hereditary Cancer Syndrome; Hereditary neoplastic syndrome. Identifiers: Orphanet 140162, MedGen C0027672, MeSH D009386, MONDO:0015356.
Fanconi anemia (FA). Also called: Fanconi's anemia. Identifiers: Orphanet 84, MedGen C0015625, MeSH D005199, MONDO:0019391.

Allele frequency attached by ClinVar (database versions not stated): ExAC 0.00001; gnomAD 0.00001; gnomAD exomes 0.00001 and 0.00002; TOPMed 0.00001.
gnomAD v4.1: 9 of 1,613,940 alleles (0.00056%); highest among the groups gnomAD compares: Admixed American, 0.015%; no homozygotes.

Submissions (6):

Ambry Genetics
Classification: Uncertain significance for Hereditary cancer-predisposing syndrome. Last evaluated: 2024-03-21. Review status: criteria provided, single submitter. Criteria: Ambry Variant Classification Scheme 2023. Collection method: clinical testing. Allele origin: germline.
Comment: The p.S279T variant (also known as c.835T>A), located in coding exon 7 of the FANCC gene, results from a T to A substitution at nucleotide position 835. The serine at codon 279 is replaced by threonine, an amino acid with similar properties. This amino acid position is conserved. In addition, this alteration is predicted to be tolerated by in silico analysis. Since supporting evidence is limited at this time, the clinical significance of this alteration remains unclear.

GeneDx
Classification: Uncertain significance. Last evaluated: 2023-07-25. Review status: criteria provided, single submitter. Criteria: GeneDx Variant Classification Process June 2021. Collection method: clinical testing. Allele origin: germline. Affected: yes.
Comment: Not observed at significant frequency in large population cohorts (gnomAD); In silico analysis supports that this missense variant does not alter protein structure/function; Has not been previously published as pathogenic or benign to our knowledge; This variant is associated with the following publications: (PMID: Gordon2000[Book])

Women's Health and Genetics/Laboratory Corporation of America, LabCorp
Classification: Uncertain significance. Last evaluated: 2022-11-24. Review status: criteria provided, single submitter. Criteria: LabCorp Variant Classification Summary - May 2015. Collection method: clinical testing. Allele origin: germline.

Labcorp Genetics (formerly Invitae), Labcorp
Classification: Uncertain significance for Fanconi anemia. Last evaluated: 2022-07-14. Review status: criteria provided, single submitter. Criteria: Invitae Variant Classification Sherloc (09022015). Collection method: clinical testing. Allele origin: germline.
Comment: This sequence change replaces serine, which is neutral and polar, with threonine, which is neutral and polar, at codon 279 of the FANCC protein (p.Ser279Thr). This variant is present in population databases (rs757190154, gnomAD 0.01%). This variant has not been reported in the literature in individuals affected with FANCC-related conditions. ClinVar contains an entry for this variant (Variation ID: 526320). Algorithms developed to predict the effect of missense changes on protein structure and function are either unavailable or do not agree on the potential impact of this missense change (SIFT: "Tolerated"; PolyPhen-2: "Probably Damaging"; Align-GVGD: "Class C0"). In summary, the available evidence is currently insufficient to determine the role of this variant in disease. Therefore, it has been classified as a Variant of Uncertain Significance.

Fulgent Genetics
Classification: Uncertain significance for Fanconi anemia complementation group C. Last evaluated: 2022-03-28. Review status: criteria provided, single submitter. Criteria: ACMG Guidelines, 2015. Collection method: clinical testing. Allele origin: unknown.

Natera, Inc.
Classification: Uncertain significance for Fanconi anemia, group C. Last evaluated: 2020-09-16. Review status: no assertion criteria provided. Collection method: clinical testing. Allele origin: germline. Not counted in ClinVar's aggregate classification.